The following is an entry in ClinVar:

ClinVar aggregate classification (germline): Pathogenic (1 of 4 stars; one submission).

Submission:

Labcorp Genetics (formerly Invitae), Labcorp
Classification: Pathogenic. Last evaluated: 2025-03-07. Review status: criteria provided, single submitter. Criteria: Invitae Variant Classification Sherloc (09022015). Collection method: clinical testing. Allele origin: germline.
Comment: This sequence change creates a premature translational stop signal (p.Asp53Thrfs*7) in the EFEMP1 gene. It is expected to result in an absent or disrupted protein product. Loss-of-function variants in EFEMP1 are known to be pathogenic (PMID: 17872905, 33807164, 38348595, 39367272). This variant is not present in population databases (gnomAD no frequency). This variant has not been reported in the literature in individuals affected with EFEMP1-related conditions. ClinVar contains an entry for this variant (Variation ID: 965353). For these reasons, this variant has been classified as Pathogenic.

Literature cited by the submitters: PubMed 17872905; PubMed 33807164; PubMed 38348595; PubMed 39367272.

NM_001039348.3(EFEMP1):c.156del (p.Asp53fs)

Gene: EFEMP1 (EGF-like fibulin extracellular matrix protein 1; minus strand). Cytogenetic location: 2p16.1.
Variant type: Deletion.
Coding change: c.156del on transcript NM_001039348.3 (MANE Select); coding-DNA position 156, one base deleted (A; older notation c.156delA).
Protein change: p.Asp53fs; shifts the reading frame from aspartic acid 53.
Molecular consequence: frameshift variant.
Genome position (GRCh38, 1-based): chr2:55,918,026, T deleted on the plus strand (A on the coding strand, the reverse complement: EFEMP1 is on the minus strand). VCF-style (leftmost placement, unchanged base first): chr2-55918025-CT-C. GRCh37 (hg19) VCF-style: chr2-56145160-CT-C.
Other names: c.156del, p.Asp53fs (NM_001039349.3); short protein forms D53fs.
Identifiers: ClinVar variation 965353 (VCV000965353.8), dbSNP rs1670770987, ClinGen allele CA1139657042.
Genomic context (GRCh38, chr2:55,918,025, plus strand): 5'-TCGGAAGGCAGAGGTATCCTCCATAGTGGTTGACACACTTCATTCCACCTTTACAAGCGT[CT>C]GGGACAATGTCACATTCATCAATATCTGTGGTCAGTAATAAAATAAGTCAGGAATCTTCT-3'